The following is an entry in ClinVar:

ClinVar aggregate classification (germline): Uncertain significance (1 of 4 stars; one submission).

Submission:

Women's Health and Genetics/Laboratory Corporation of America, LabCorp
Classification: Uncertain significance. Last evaluated: 2023-02-20. Review status: criteria provided, single submitter. Criteria: LabCorp Variant Classification Summary - May 2015. Collection method: clinical testing. Allele origin: germline.
Comment: Variant summary: PCSK9 c.573T>G (p.Ser191Arg) results in a non-conservative amino acid change located in the Proteinase K-like catalytic domain of the encoded protein sequence. Three of five in-silico tools predict a damaging effect of the variant on protein function. The variant was absent in 251340 control chromosomes. The available data on variant occurrences in the general population are insufficient to allow any conclusion about variant significance. To our knowledge, no occurrence of c.573T>G in individuals affected with Familial Hypercholesterolemia and no experimental evidence demonstrating its impact on protein function have been reported. No clinical diagnostic laboratories have submitted clinical-significance assessments for this variant to ClinVar after 2014. Based on the evidence outlined above, the variant was classified as uncertain significance.

NM_174936.4(PCSK9):c.573T>G (p.Ser191Arg)

Gene: PCSK9 (proprotein convertase subtilisin/kexin type 9; plus strand). Cytogenetic location: 1p32.3.
Variant type: single nucleotide variant.
Coding change: c.573T>G on transcript NM_174936.4 (MANE Select); coding-DNA position 573, T replaced by G.
Protein change: p.Ser191Arg; replaces serine 191 with arginine.
Molecular consequence: missense variant.
Genome position (GRCh38, 1-based): chr1:55,052,327, T>G. VCF-style: chr1-55052327-T-G. GRCh37 (hg19) VCF-style: chr1-55518000-T-G.
Other names: c.696T>G, p.Ser232Arg (NM_001407240.1); c.573T>G, p.Ser191Arg (NM_001407241.1, NM_001407242.1, NM_001407244.1 and 1 more transcripts); c.516T>G, p.Ser172Arg (NM_001407243.1); c.381T>G, p.Ser127Arg (NM_001407245.1); c.198T>G, p.Ser66Arg (NM_001407246.1); short protein forms S66R, S127R, S172R, S191R, S232R.
Identifiers: ClinVar variation 2445934 (VCV002445934.1), dbSNP rs1234801815, ClinGen allele CA340473225.